The following is an entry in ClinVar:

NM_004655.4(AXIN2):c.43A>G (p.Ser15Gly)

Gene: AXIN2 (axin 2; minus strand). Cytogenetic location: 17q24.1.
Variant type: single nucleotide variant.
Coding change: c.43A>G on transcript NM_004655.4 (MANE Select); coding-DNA position 43, A replaced by G.
Protein change: p.Ser15Gly; replaces serine 15 with glycine.
Molecular consequence: missense variant.
Genome position (GRCh38, 1-based): chr17:65,558,578, T>C on the plus strand (A>G on the coding strand, the complement: AXIN2 is on the minus strand). VCF-style: chr17-65558578-T-C. GRCh37 (hg19) VCF-style: chr17-63554696-T-C.
Other names: c.43A>G, p.Ser15Gly (NM_001363813.1); c.43A>G (LRG_296t1); short protein forms S15G.
Identifiers: ClinVar variation 565715 (VCV000565715.17), dbSNP rs759551291, ClinGen allele CA8719109.

ClinVar aggregate classification (germline): Conflicting classifications of pathogenicity. Review status: criteria provided, conflicting classifications (1 of 4 stars). 4 submissions from 4 submitters: Uncertain significance (3); Benign (1). Last evaluated 2025-12-03.

Conditions:
Oligodontia-cancer predisposition syndrome. Also called: TOOTH AGENESIS-COLORECTAL CANCER SYNDROME. Identifiers: Orphanet 300576, MedGen C1837750, MONDO:0012075, OMIM 608615. Disease mechanism: loss of function.
Hereditary cancer-predisposing syndrome. Also called: Neoplastic Syndromes, Hereditary; Hereditary Cancer Syndrome; Tumor predisposition; Hereditary neoplastic syndrome. Identifiers: Orphanet 140162, MedGen C0027672, MeSH D009386, MONDO:0015356.

Allele frequency attached by ClinVar (database versions not stated): gnomAD exomes 0.00005; gnomAD 0.00001; ExAC 0.00004.
gnomAD v4.1: 34 of 1,611,788 alleles (0.0021%); highest among the groups gnomAD compares: South Asian, 0.035%; no homozygotes.

Submissions (4):

Dasa
Classification: Uncertain significance. Last evaluated: 2025-12-03. Review status: criteria provided, single submitter. Criteria: DASA Assertion Criteria. Collection method: clinical testing. Allele origin: germline.
Comment: NM_004655.4(AXIN2):c.43A>G (p.Ser15Gly) is a missense variant that results in the substitution of serine with glycine. This variant is rare in population databases. Computational prediction algorithms are consistent with a benign effect. The currently available literature and clinical evidence are not sufficient to establish a definitive association between this variant and the reported condition. Therefore, this variant is classified as a variant of uncertain significance.

Labcorp Genetics (formerly Invitae), Labcorp
Classification: Uncertain significance for Oligodontia-cancer predisposition syndrome. Last evaluated: 2025-11-25. Review status: criteria provided, single submitter. Criteria: Invitae Variant Classification Sherloc (09022015). Collection method: clinical testing. Allele origin: germline.
Comment: This sequence change replaces serine, which is neutral and polar, with glycine, which is neutral and non-polar, at codon 15 of the AXIN2 protein (p.Ser15Gly). This variant is present in population databases (rs759551291, gnomAD 0.04%), and has an allele count higher than expected for a pathogenic variant. This variant has not been reported in the literature in individuals affected with AXIN2-related conditions. ClinVar contains an entry for this variant (Variation ID: 565715). Invitae Evidence Modeling of protein sequence and biophysical properties (such as structural, functional, and spatial information, amino acid conservation, physicochemical variation, residue mobility, and thermodynamic stability) indicates that this missense variant is not expected to disrupt AXIN2 protein function with a negative predictive value of 80%. In summary, the available evidence is currently insufficient to determine the role of this variant in disease. Therefore, it has been classified as a Variant of Uncertain Significance.

Ambry Genetics
Classification: Benign for Hereditary cancer-predisposing syndrome. Last evaluated: 2024-10-18. Review status: criteria provided, single submitter. Criteria: Ambry Variant Classification Scheme 2023. Collection method: clinical testing. Allele origin: germline.

GeneDx
Classification: Uncertain significance. Last evaluated: 2024-02-02. Review status: criteria provided, single submitter. Criteria: GeneDx Variant Classification Process June 2021. Collection method: clinical testing. Allele origin: germline. Affected: yes.
Comment: In silico analysis supports that this missense variant does not alter protein structure/function; Has not been previously published as pathogenic or benign to our knowledge